The following is an entry in ClinVar:

NM_024642.5(GALNT12):c.392A>T (p.Asp131Val)

Gene: GALNT12 (polypeptide N-acetylgalactosaminyltransferase 12; plus strand). Cytogenetic location: 9q22.33.
Variant type: single nucleotide variant.
Coding change: c.392A>T on transcript NM_024642.5 (MANE Select); coding-DNA position 392, A replaced by T.
Protein change: p.Asp131Val; replaces aspartic acid 131 with valine.
Molecular consequence: missense variant.
Genome position (GRCh38, 1-based): chr9:98,823,276, A>T. VCF-style: chr9-98823276-A-T. GRCh37 (hg19) VCF-style: chr9-101585558-A-T.
Other names: short protein forms D131V.
Identifiers: ClinVar variation 5022147 (VCV005022147.1).

ClinVar aggregate classification (germline): Uncertain significance (1 of 4 stars; one submission).

Submission:

Ambry Genetics
Classification: Uncertain significance. Last evaluated: 2026-08-11. Review status: criteria provided, single submitter. Criteria: Ambry Variant Classification Scheme 2023. Collection method: clinical testing. Allele origin: germline.
Comment: The p.D131V variant (also known as c.392A>T), located in coding exon 2 of the GALNT12 gene, results from an A to T substitution at nucleotide position 392. The aspartic acid at codon 131 is replaced by valine, an amino acid with highly dissimilar properties. This amino acid position is conserved. In addition, the in silico prediction for this alteration is inconclusive. Based on the available evidence, the clinical significance of this variant remains unclear.